The following is an entry in ClinVar:

ClinVar aggregate classification (germline): Uncertain significance (1 of 4 stars; one submission).

Conditions:
Hereditary spastic paraplegia 11. Also called: Spastic paraplegia, mental retardation and thin corpus callosum; SPASTIC PARAPLEGIA, AUTOSOMAL RECESSIVE, COMPLICATED, WITH THIN CORPUS CALLOSUM; SPASTIC PARAPLEGIA, AUTOSOMAL RECESSIVE, WITH MENTAL IMPAIRMENT AND THIN CORPUS CALLOSUM; Nakamura Osame syndrome; Autosomal recessive hereditary spastic paraplegia, mental impairment, and thin corpus callosum; Spastic Paraplegia 11. Identifiers: Orphanet 2822, MedGen C1858479, MONDO:0011445, OMIM 604360.

Submission:

Labcorp Genetics (formerly Invitae), Labcorp
Classification: Uncertain significance for Hereditary spastic paraplegia 11. Last evaluated: 2025-09-23. Review status: criteria provided, single submitter. Criteria: Invitae Variant Classification Sherloc (09022015). Collection method: clinical testing. Allele origin: germline.
Comment: This sequence change replaces isoleucine, which is neutral and non-polar, with asparagine, which is neutral and polar, at codon 1705 of the SPG11 protein (p.Ile1705Asn). This variant is not present in population databases (gnomAD no frequency). This variant has not been reported in the literature in individuals affected with SPG11-related conditions. Invitae Evidence Modeling of protein sequence and biophysical properties (such as structural, functional, and spatial information, amino acid conservation, physicochemical variation, residue mobility, and thermodynamic stability) has been performed for this missense variant. However, the output from this modeling did not meet the statistical confidence thresholds required to predict the impact of this variant on SPG11 protein function. In summary, the available evidence is currently insufficient to determine the role of this variant in disease. Therefore, it has been classified as a Variant of Uncertain Significance.

NM_025137.4(SPG11):c.5114T>A (p.Ile1705Asn)

Gene: SPG11 (SPG11 vesicle trafficking associated, spatacsin; minus strand). Cytogenetic location: 15q21.1.
Variant type: single nucleotide variant.
Coding change: c.5114T>A on transcript NM_025137.4 (MANE Select); coding-DNA position 5114, T replaced by A.
Protein change: p.Ile1705Asn; replaces isoleucine 1705 with asparagine.
Molecular consequence: missense variant.
Genome position (GRCh38, 1-based): chr15:44,585,643, A>T on the plus strand (T>A on the coding strand, the complement: SPG11 is on the minus strand). VCF-style: chr15-44585643-A-T. GRCh37 (hg19) VCF-style: chr15-44877841-A-T.
Other names: c.5114T>A, p.Ile1705Asn (NM_001160227.2, NM_001411132.1); short protein forms I1705N.
Identifiers: ClinVar variation 4742831 (VCV004742831.1).